The following is an entry in ClinVar:

ClinVar aggregate classification (germline): Uncertain significance (1 of 4 stars; one submission).

Submission:

Ambry Genetics
Classification: Uncertain significance. Last evaluated: 2025-04-19. Review status: criteria provided, single submitter. Criteria: Ambry Variant Classification Scheme 2023. Collection method: clinical testing. Allele origin: germline.
Comment: The p.S2030R variant (also known as c.6090T>A), located in coding exon 24 of the WNK2 gene, results from a T to A substitution at nucleotide position 6090. The serine at codon 2030 is replaced by arginine, an amino acid with dissimilar properties. This amino acid position is conserved. In addition, this alteration is predicted to be tolerated by in silico analysis. Based on the available evidence, the clinical significance of this variant remains unclear.

NM_006648.4(WNK2):c.6090T>A (p.Ser2030Arg)

Gene: WNK2 (WNK lysine deficient protein kinase 2; plus strand). Cytogenetic location: 9q22.31.
Variant type: single nucleotide variant.
Coding change: c.6090T>A on transcript NM_006648.4 (MANE Select); coding-DNA position 6090, T replaced by A.
Protein change: p.Ser2030Arg; replaces serine 2030 with arginine.
Molecular consequence: missense variant.
Genome position (GRCh38, 1-based): chr9:93,299,236, T>A. VCF-style: chr9-93299236-T-A. GRCh37 (hg19) VCF-style: chr9-96061518-T-A.
Other names: c.6201T>A, p.Ser2067Arg (NM_001282394.3); short protein forms S2067R, S2030R.
Identifiers: ClinVar variation 3981915 (VCV003981915.1).
Genomic context (GRCh38, chr9:93,299,236, plus strand): 5'-CCAGCAGCCCTGCTCCGTCCGGGCCTCCCTGTCTTCGGACATCTGCTCCGGCTTAGCCAG[T>A]GATGGAGGCGGAGCGCGTGGCCAAGGTGATTTCCAGCTTGCCTGTCTCCGAGCATGTGCT-3'
Protein context (NP_006639.3, residues 2020-2040): LSSDICSGLA[Ser2030Arg]DGGGARGQGW